The following is an entry in ClinVar:

NM_001110556.2(FLNA):c.7676del (p.Lys2559fs)

Genes: FLNA (filamin A; minus strand), LOC107988032 (Xq28 proximal FLNA-EMD recombination region; plus strand). Cytogenetic location: Xq28.
Variant type: Deletion.
Coding change: c.7676del on transcript NM_001110556.2 (MANE Select); coding-DNA position 7676, one base deleted (A; older notation c.7676delA).
Protein change: p.Lys2559fs; shifts the reading frame from lysine 2559.
Molecular consequence: frameshift variant.
Genome position (GRCh38, 1-based): chrX:154,349,442, T deleted on the plus strand (A on the coding strand, the reverse complement: FLNA is on the minus strand); the first of 2 consecutive T bases (chrX:154,349,442-154,349,443); deleting either gives the same sequence. VCF-style (leftmost placement, unchanged base first): chrX-154349441-CT-C. GRCh37 (hg19) VCF-style: chrX-153577809-CT-C.
Other names: c.7652del, p.Lys2551fs (NM_001456.4); short protein forms K2551fs, K2559fs.
Identifiers: ClinVar variation 3752965 (VCV003752965.2).
Genomic context (GRCh38, chrX:154,349,441, plus strand): 5'-TGTGAAGCTGCTCTTCTGGCCTACGTAGGCCTTGCTCAGCCCCAGGCCCTTGGCCACCAC[CT>C]TGCTGGCGTCAGCAGGCCCAGGACCCGGGGCCCCATGCTGGGGGGCACAGGTGGCCTTGG-3'

ClinVar aggregate classification (germline): Pathogenic (1 of 4 stars; one submission).

Conditions:
Melnick-Needles syndrome (MNS). Also called: MELNICK-NEEDLES OSTEODYSPLASTY; OSTEODYSPLASTY OF MELNICK AND NEEDLES; Melnick-Needles Syndrome (FLNA-MNS). Identifiers: Orphanet 2484, MedGen C0025237, MONDO:0010650, OMIM 309350.
Frontometaphyseal dysplasia (FMD1). Identifiers: Orphanet 1826, MedGen C0265293, MONDO:0015942.
Heterotopia, periventricular, X-linked dominant (PVNH1). Also called: PERIVENTRICULAR NODULAR HETEROTOPIA 1; X-linked periventricular heterotopia; PERIVENTRICULAR NODULAR HETEROTOPIA 4; HETEROTOPIA, PERIVENTRICULAR, 1. Identifiers: Orphanet 2149, Orphanet 82004, MedGen C1848213, MONDO:0010233, OMIM 300049.
Oto-palato-digital syndrome, type II (OPD2). Also called: FACIOPALATOOSSEOUS SYNDROME; OPD II SYNDROME; Otopalatodigital Syndrome, Type II; Otopalatodigital Syndrome Type 2 (FLNA-OPD2). Identifiers: Orphanet 669, Orphanet 90652, MedGen C1844696, MONDO:0010571, OMIM 304120.

Submission:

Labcorp Genetics (formerly Invitae), Labcorp
Classification: Pathogenic for Oto-palato-digital syndrome, type II; Heterotopia, periventricular, X-linked dominant; Frontometaphyseal dysplasia; Melnick-Needles syndrome. Last evaluated: 2024-11-12. Review status: criteria provided, single submitter. Criteria: Invitae Variant Classification Sherloc (09022015). Collection method: clinical testing. Allele origin: germline.
Comment: This sequence change creates a premature translational stop signal (p.Lys2551Argfs*9) in the FLNA gene. It is expected to result in an absent or disrupted protein product. Loss-of-function variants in FLNA are known to be pathogenic (PMID: 16684786, 20730588, 26471271). This variant is not present in population databases (gnomAD no frequency). This variant has not been reported in the literature in individuals affected with FLNA-related conditions. For these reasons, this variant has been classified as Pathogenic.

Literature cited by the submitters: PubMed 16684786; PubMed 20730588; PubMed 26471271.